The following is an entry in ClinVar:

ClinVar aggregate classification (germline): Uncertain significance (1 of 4 stars; one submission).

Submission:

Labcorp Genetics (formerly Invitae), Labcorp
Classification: Uncertain significance. Last evaluated: 2024-02-19. Review status: criteria provided, single submitter. Criteria: Invitae Variant Classification Sherloc (09022015). Collection method: clinical testing. Allele origin: germline.
Comment: This sequence change replaces asparagine, which is neutral and polar, with lysine, which is basic and polar, at codon 1230 of the ADGRB2 protein (p.Asn1230Lys). This variant is not present in population databases (gnomAD no frequency). This variant has not been reported in the literature in individuals affected with ADGRB2-related conditions. An algorithm developed to predict the effect of missense changes on protein structure and function (PolyPhen-2) suggests that this variant is likely to be disruptive. In summary, the available evidence is currently insufficient to determine the role of this variant in disease. Therefore, it has been classified as a Variant of Uncertain Significance.

NM_001364857.2(ADGRB2):c.3789C>A (p.Asn1263Lys)

Gene: ADGRB2 (adhesion G protein-coupled receptor B2; minus strand). Cytogenetic location: 1p35.2.
Variant type: single nucleotide variant.
Coding change: c.3789C>A on transcript NM_001364857.2 (MANE Select); coding-DNA position 3789, C replaced by A.
Protein change: p.Asn1263Lys; replaces asparagine 1263 with lysine.
Molecular consequence: missense variant.
Genome position (GRCh38, 1-based): chr1:31,731,391, G>T on the plus strand (C>A on the coding strand, the complement: ADGRB2 is on the minus strand). VCF-style: chr1-31731391-G-T. GRCh37 (hg19) VCF-style: chr1-32196992-G-T.
Other names: c.3789C>A, p.Asn1263Lys (NM_001703.2, NM_001294335.2); c.3690C>A, p.Asn1230Lys (NM_001294336.2); short protein forms N1230K, N1263K.
Identifiers: ClinVar variation 2695672 (VCV002695672.3), dbSNP rs2523585073, ClinGen allele CA339598866.